The following is an entry in ClinVar:

ClinVar aggregate classification (germline): Uncertain significance (1 of 4 stars; one submission).

Submission:

GeneDx
Classification: Uncertain significance. Last evaluated: 2021-05-26. Review status: criteria provided, single submitter. Criteria: GeneDx Variant Classification Process June 2021. Collection method: clinical testing. Allele origin: germline. Affected: yes.
Comment: Not observed at significant frequency in large population cohorts (Lek et al., 2016); In silico analysis supports that this missense variant has a deleterious effect on protein structure/function; Has not been previously published as pathogenic or benign to our knowledge

NM_001377142.1(PLCB4):c.915C>G (p.Phe305Leu)

Gene: PLCB4 (phospholipase C beta 4; plus strand). Cytogenetic location: 20p12.2.
Variant type: single nucleotide variant.
Coding change: c.915C>G on transcript NM_001377142.1 (MANE Select); coding-DNA position 915, C replaced by G.
Protein change: p.Phe305Leu; replaces phenylalanine 305 with leucine.
Molecular consequence: missense variant.
Genome position (GRCh38, 1-based): chr20:9,384,262, C>G. VCF-style: chr20-9384262-C-G. GRCh37 (hg19) VCF-style: chr20-9364909-C-G.
Other names: c.915C>G, p.Phe305Leu (NM_000933.4, NM_001172646.2, NM_001377134.2 and 4 more transcripts); short protein forms F305L.
Identifiers: ClinVar variation 1327814 (VCV001327814.2), dbSNP rs2148370157, ClinGen allele CA408216334.